The following is an entry in ClinVar:

ClinVar aggregate classification (germline): Uncertain significance. Review status: criteria provided, multiple submitters, no conflicts (2 of 4 stars). 2 submissions from 2 submitters: Uncertain significance (2). Last evaluated 2024-01-29.

Conditions:
Inborn genetic diseases. Identifiers: MedGen C0950123, MeSH D030342.

Allele frequency attached by ClinVar (database versions not stated): gnomAD 0.00002 and 0.00006; TOPMed 0.00009; ExAC 0.00011; 1000 Genomes Project 30x 0.00016; 1000 Genomes Project 0.00020.
gnomAD v4.1: 60 of 1,567,374 alleles (0.0038%); highest among the groups gnomAD compares: East Asian, 0.065%; no homozygotes.

Submissions (2):

Labcorp Genetics (formerly Invitae), Labcorp
Classification: Uncertain significance. Last evaluated: 2024-01-29. Review status: criteria provided, single submitter. Criteria: Invitae Variant Classification Sherloc (09022015). Collection method: clinical testing. Allele origin: germline.
Comment: This sequence change replaces arginine, which is basic and polar, with glutamine, which is neutral and polar, at codon 27 of the DDRGK1 protein (p.Arg27Gln). This variant is present in population databases (rs541303668, gnomAD 0.1%). This variant has not been reported in the literature in individuals affected with DDRGK1-related conditions. ClinVar contains an entry for this variant (Variation ID: 1347351). Algorithms developed to predict the effect of missense changes on protein structure and function output the following: SIFT: "Not Available"; PolyPhen-2: "Possibly Damaging"; Align-GVGD: "Not Available". The glutamine amino acid residue is found in multiple mammalian species, which suggests that this missense change does not adversely affect protein function. In summary, the available evidence is currently insufficient to determine the role of this variant in disease. Therefore, it has been classified as a Variant of Uncertain Significance.

Ambry Genetics
Classification: Uncertain significance for Inborn genetic diseases. Last evaluated: 2023-10-16. Review status: criteria provided, single submitter. Criteria: Ambry Variant Classification Scheme 2023. Collection method: clinical testing. Allele origin: germline.

NM_023935.3(DDRGK1):c.80G>A (p.Arg27Gln)

Genes: DDRGK1 (DDRGK domain containing 1; minus strand), ITPA (inosine triphosphatase; plus strand), LOC130065321 (ATAC-STARR-seq lymphoblastoid active region 17476; plus strand). Cytogenetic location: 20p13.
Variant type: single nucleotide variant.
Coding change: c.80G>A on transcript NM_023935.3 (MANE Select); coding-DNA position 80, G replaced by A.
Protein change: p.Arg27Gln; replaces arginine 27 with glutamine.
Molecular consequence: missense variant.
Genome position (GRCh38, 1-based): chr20:3,204,548, C>T on the plus strand (G>A on the coding strand, the complement: DDRGK1 is on the minus strand). VCF-style: chr20-3204548-C-T. GRCh37 (hg19) VCF-style: chr20-3185194-C-T.
Other names: c.80G>A (NM_023935.1); short protein forms R27Q.
Identifiers: ClinVar variation 1347351 (VCV001347351.7), dbSNP rs541303668, ClinGen allele CA9741057.